The following is an entry in ClinVar:

ClinVar aggregate classification (germline): Likely pathogenic (1 of 4 stars; one submission).

Conditions:
Long QT syndrome (LQTS). Identifiers: MedGen C0023976, MeSH D008133, MONDO:0002442. Disease mechanism: loss of function. Inheritance: Various modes of inheritance.

Submission:

Labcorp Genetics (formerly Invitae), Labcorp
Classification: Likely pathogenic for Long QT syndrome. Last evaluated: 2024-02-04. Review status: criteria provided, single submitter. Criteria: Invitae Variant Classification Sherloc (09022015). Collection method: clinical testing. Allele origin: germline.
Comment: This sequence change affects an acceptor splice site in intron 8 of the KCNH2 gene. It is expected to disrupt RNA splicing. Variants that disrupt the donor or acceptor splice site typically lead to a loss of protein function (PMID: 16199547), and loss-of-function variants in KCNH2 are known to be pathogenic (PMID: 10973849, 19862833). This variant is not present in population databases (gnomAD no frequency). Disruption of this splice site has been observed in individual(s) with clinical features of long QT syndrome (PMID: 19716085). Algorithms developed to predict the effect of sequence changes on RNA splicing suggest that this variant may disrupt the consensus splice site. In summary, the currently available evidence indicates that the variant is pathogenic, but additional data are needed to prove that conclusively. Therefore, this variant has been classified as Likely Pathogenic.

Literature cited by the submitters: PubMed 16199547; PubMed 10973849; PubMed 19862833; PubMed 19716085.

NM_000238.4(KCNH2):c.2146-2A>G

Gene: KCNH2 (potassium voltage-gated channel subfamily H member 2; minus strand). Cytogenetic location: 7q36.1.
Variant type: single nucleotide variant.
Coding change: c.2146-2A>G on transcript NM_000238.4 (MANE Select); the canonical splice acceptor site of the intron before coding-DNA position 2146, A replaced by G.
Molecular consequence: splice acceptor variant.
Genome position (GRCh38, 1-based): chr7:150,950,422, T>C on the plus strand (A>G on the coding strand, the complement: KCNH2 is on the minus strand). VCF-style: chr7-150950422-T-C. GRCh37 (hg19) VCF-style: chr7-150647510-T-C.
Other names: c.1858-2A>G (NM_001406753.1, NM_001406756.1); c.1126-2A>G (NM_172057.3, NM_001204798.2); c.2146-2A>G (NM_172056.3); c.1969-2A>G (NM_001406755.1); c.1846-2A>G (NM_001406757.1).
Identifiers: ClinVar variation 3720789 (VCV003720789.2).
Genomic context (GRCh38, chr7:150,950,422, plus strand): 5'-GAGCGGTTCAGGTGCAGGCAGATGTCAGCCTGCAGGCACTCAGGGAAGCCCTTCAGCACC[T>C]GGGGGCAGGGTGGGGGCAGCTCAGCACACCCTCCCTTGGGACCCCCCAACCCACACTCTA-3'